The following is an entry in ClinVar:

ClinVar aggregate classification (germline): Likely benign (0 of 4 stars; one submission).

Conditions:
ACAA1-related disorder. Also called: ACAA1-related condition.

Allele frequency attached by ClinVar (database versions not stated): gnomAD exomes 0.00016; ExAC 0.00047; ESP Exome Variant Server 0.00092; gnomAD 0.00102; 1000 Genomes Project 0.00120; TOPMed 0.00129; 1000 Genomes Project 30x 0.00141.
gnomAD v4.1: 417 of 1,613,996 alleles (0.026%); highest among the groups gnomAD compares: African/African-American, 0.3%; 1 homozygote.

Submissions (3):

PreventionGenetics, part of Exact Sciences
Classification: Likely benign for ACAA1-related condition. Last evaluated: 2023-04-05. Review status: no assertion criteria provided. Collection method: clinical testing. Allele origin: germline.
Comment: This variant is classified as likely benign based on ACMG/AMP sequence variant interpretation guidelines (Richards et al. 2015 PMID: 25741868, with internal and published modifications).

Dr. Peter K. Rogan Lab, Western University
No classification provided (evidence only). Condition: Clear cell carcinoma of kidney. Review status: no classification provided. Collection method: in vitro. Allele origin: not applicable. Functional consequence: retained intron. Not counted in ClinVar's aggregate classification.

Dr. Peter K. Rogan Lab, Western University
No classification provided (evidence only). Condition: Clear cell carcinoma of kidney. Review status: no classification provided. Collection method: in vitro. Allele origin: not applicable. Functional consequence: retained intron. Not counted in ClinVar's aggregate classification.

NM_001607.4(ACAA1):c.225C>G (p.Asp75Glu)

Gene: ACAA1 (acetyl-CoA acyltransferase 1; minus strand). Cytogenetic location: 3p22.2.
Variant type: single nucleotide variant.
Coding change: c.225C>G on transcript NM_001607.4 (MANE Select); coding-DNA position 225, C replaced by G.
Protein change: p.Asp75Glu; replaces aspartic acid 75 with glutamic acid.
Molecular consequence: missense variant. On other transcripts: non-coding transcript variant (1).
Genome position (GRCh38, 1-based): chr3:38,136,632, G>C on the plus strand (C>G on the coding strand, the complement: ACAA1 is on the minus strand). VCF-style: chr3-38136632-G-C. GRCh37 (hg19) VCF-style: chr3-38178123-G-C.
Other names: NC_000003.11:g.38178123G>C; c.225C>G, p.Asp75Glu (NM_001130410.2); short protein forms D75E.
Identifiers: ClinVar variation 3043793 (VCV003043793.3), dbSNP rs147670996, ClinGen allele CA2315919.
Genomic context (GRCh38, chr3:38,136,632, plus strand): 5'-GGCCTGAGTGGTTCGCTCACCGACACAGATGTCCCCCAGCTGTTCCGGCCTCAGATTCAC[G>C]TCCTTGAGAACCGCGGTCATGACTGCCGAGAGAAGCTCGTCGGGGGTGGTGTCCTGCAGC-3'
Protein context (NP_001598.1, residues 65-85): LSAVMTAVLK[Asp75Glu]VNLRPEQLGD